The following is an entry in ClinVar:

ClinVar aggregate classification (germline): Uncertain significance (1 of 4 stars; one submission).

Submission:

Centro Nacional de Genética Medica, Administración Nacional de Laboratorios e Institutos de Salud (ANLIS) “Dr. Carlos G Malbrán”
Classification: Uncertain significance. Last evaluated: 2019-01-01. Review status: criteria provided, single submitter. Criteria: ACMG CNV Guidelines, 2011. Collection method: clinical testing. Allele origin: germline. Affected: yes.

GRCh37/hg19 9p24.3(chr9:211086-416351)x3

Genes: DOCK8 (dedicator of cytokinesis 8; plus strand), DOCK8-AS1 (DOCK8 antisense RNA 1; minus strand). Cytogenetic location: 9p24.3.
Variant type: copy number gain.
Change: copy number 3 (three copies instead of two) of chr9:211,086-416,351 (205.3 kb, GRCh37 coordinates, 1-based), cytogenetic band 9p24.3.
Identifiers: ClinVar variation 666457 (VCV000666457.3).